The following is an entry in ClinVar:

ClinVar aggregate classification (germline): Conflicting classifications of pathogenicity. Review status: criteria provided, conflicting classifications (1 of 4 stars). 7 submissions from 7 submitters: Uncertain significance (6); Likely benign (1). Last evaluated 2026-05-15.

Conditions:
MYH7-related disorder. Also called: MYH7-related condition; MYH7-related disease; MYH7-related disorders.
Cardiovascular phenotype. Identifiers: MedGen CN230736.
Cardiomyopathy (CMYO). Also called: Cardiomyopathies. Identifiers: Orphanet 167848, MedGen C0878544, MONDO:0004994, HP:0001638. Inheritance: Various modes of inheritance.
Hypertrophic cardiomyopathy. Also called: HYPERTROPHIC MYOCARDIOPATHY. Identifiers: Orphanet 217569, MedGen C0007194, MeSH D002312, MONDO:0005045, HP:0001639.

Allele frequency attached by ClinVar (database versions not stated): TOPMed below 0.00001; gnomAD 0.00001; gnomAD exomes 0.00001.
gnomAD v4.1: 12 of 1,614,096 alleles (0.00074%); highest among the groups gnomAD compares: Non-Finnish European, 0.00093%; no homozygotes.

Submissions (7):

PreventionGenetics, part of Exact Sciences
Classification: Uncertain significance for MYH7-related condition. Last evaluated: 2026-05-15. Review status: criteria provided, single submitter. Criteria: ACMG Guidelines, 2015. Collection method: clinical testing. Allele origin: germline.
Comment: The MYH7 c.5011A>G variant is predicted to result in the amino acid substitution p.Ile1671Val. To our knowledge, this variant has not been reported in the literature. This variant is reported in 0.0018% of alleles in individuals of European (Non-Finnish) descent in gnomAD. At this time, the clinical significance of this variant is uncertain due to the absence of conclusive functional and genetic evidence.

GeneDx
Classification: Uncertain significance. Last evaluated: 2025-12-18. Review status: criteria provided, single submitter. Criteria: GeneDx Variant Classification Process June 2021. Collection method: clinical testing. Allele origin: germline. Affected: yes.
Comment: Has not been previously published as pathogenic or benign to our knowledge; Not observed at significant frequency in large population cohorts (gnomAD); In silico analysis suggests that this missense variant does not alter protein structure/function

Mayo Clinic Laboratories, Mayo Clinic
Classification: Uncertain significance. Last evaluated: 2024-07-16. Review status: criteria provided, single submitter. Criteria: ACMG Guidelines, 2015. Collection method: clinical testing. Allele origin: germline. Observed: 1 variant allele.
Comment: BP4

Labcorp Genetics (formerly Invitae), Labcorp
Classification: Uncertain significance for Hypertrophic cardiomyopathy. Last evaluated: 2024-06-30. Review status: criteria provided, single submitter. Criteria: Invitae Variant Classification Sherloc (09022015). Collection method: clinical testing. Allele origin: germline.
Comment: This sequence change replaces isoleucine, which is neutral and non-polar, with valine, which is neutral and non-polar, at codon 1671 of the MYH7 protein (p.Ile1671Val). This variant is present in population databases (no rsID available, gnomAD 0.002%). This variant has not been reported in the literature in individuals affected with MYH7-related conditions. ClinVar contains an entry for this variant (Variation ID: 583204). Advanced modeling of protein sequence and biophysical properties (such as structural, functional, and spatial information, amino acid conservation, physicochemical variation, residue mobility, and thermodynamic stability) performed at Invitae indicates that this missense variant is not expected to disrupt MYH7 protein function with a negative predictive value of 95%. In summary, the available evidence is currently insufficient to determine the role of this variant in disease. Therefore, it has been classified as a Variant of Uncertain Significance.

Color Diagnostics, LLC DBA Color Health
Classification: Uncertain significance for Cardiomyopathy. Last evaluated: 2024-03-06. Review status: criteria provided, single submitter. Criteria: ACMG Guidelines, 2015. Collection method: clinical testing. Allele origin: germline.
Comment: This missense variant replaces isoleucine with valine at codon 1671 of the MYH7 protein. Computational prediction suggests that this variant may not impact protein structure and function (internally defined REVEL score threshold <= 0.5, PMID: 27666373). To our knowledge, functional studies have not been reported for this variant. This variant has not been reported in individuals affected with MYH7-related disorders in the literature. This variant has been identified in 2/251430 chromosomes in the general population by the Genome Aggregation Database (gnomAD). The available evidence is insufficient to determine the role of this variant in disease conclusively. Therefore, this variant is classified as a Variant of Uncertain Significance.

Ambry Genetics
Classification: Likely benign for Cardiovascular phenotype. Last evaluated: 2024-02-13. Review status: criteria provided, single submitter. Criteria: Ambry Variant Classification Scheme 2023. Collection method: clinical testing. Allele origin: germline.

All of Us Research Program, National Institutes of Health
Classification: Uncertain significance for Cardiomyopathy. Last evaluated: 2023-12-07. Review status: criteria provided, single submitter. Criteria: ACMG Guidelines, 2015. Collection method: clinical testing. Allele origin: germline. Inheritance: Autosomal dominant inheritance. Observed: 6 variant alleles, 6 heterozygotes.
Comment: This missense variant replaces isoleucine with valine at codon 1671 of the MYH7 protein. Computational prediction suggests that this variant may not impact protein structure and function (internally defined REVEL score threshold <= 0.5, PMID: 27666373). To our knowledge, functional studies have not been reported for this variant. This variant has not been reported in individuals affected with MYH7-related disorders in the literature. This variant has been identified in 2/251430 chromosomes in the general population by the Genome Aggregation Database (gnomAD). The available evidence is insufficient to determine the role of this variant in disease conclusively. Therefore, this variant is classified as a Variant of Uncertain Significance.

This study involves interpretation of variants in research participants for the purpose of population health screening. Participant phenotype was not available at the time of variant classification. Additional details can be found in publication PMID: 35346344, PMCID: PMC8962531

NM_000257.4(MYH7):c.5011A>G (p.Ile1671Val)

Genes: MHRT (myosin heavy chain associated RNA transcript; plus strand), MYH7 (myosin heavy chain 7; minus strand), LOC126861897 (BRD4-independent group 4 enhancer GRCh37_chr14:23884455-23885654; plus strand). Cytogenetic location: 14q11.2.
Variant type: single nucleotide variant.
Coding change: c.5011A>G on transcript NM_000257.4 (MANE Select); coding-DNA position 5011, A replaced by G.
Protein change: p.Ile1671Val; replaces isoleucine 1671 with valine.
Molecular consequence: missense variant. On other transcripts: non-coding transcript variant (1).
Genome position (GRCh38, 1-based): chr14:23,415,775, T>C on the plus strand (A>G on the coding strand, the complement: MYH7 is on the minus strand). VCF-style: chr14-23415775-T-C. GRCh37 (hg19) VCF-style: chr14-23884984-T-C.
Other names: p.Ile1671Val; short protein forms I1671V.
Identifiers: ClinVar variation 583204 (VCV000583204.21), dbSNP rs1456418703, ClinGen allele CA389037138.
Genomic context (GRCh38, chr14:23,415,775, plus strand): 5'-CGGCACGCAACTCCTCCAGCTCAGCCTGCAGCAGGTTGTTGCGCCGCTCCACGATGGCGA[T>C]GTTCTCCTTCAGGTCGTCGTTGGCACGGACTGCATCGTCCAGCTGAATCTGGGTGTCCTG-3'
Protein context (NP_000248.2, residues 1661-1681): VRANDDLKEN[Ile1671Val]AIVERRNNLL